The following is an entry in ClinVar:

ClinVar aggregate classification (germline): Conflicting classifications of pathogenicity. Review status: criteria provided, conflicting classifications (1 of 4 stars). 2 submissions from 2 submitters: Likely pathogenic (1); Uncertain significance (1). Last evaluated 2026-06-12.

Conditions:
Heterotaxy, visceral, 4, autosomal (HTX4). Identifiers: Orphanet 450, MedGen C3151057, MONDO:0013403, OMIM 613751.

Submissions (2):

MVZ Martinsried, Medicover Genetics
Classification: Uncertain significance for Heterotaxy, visceral, 4, autosomal. Last evaluated: 2026-06-12. Review status: criteria provided, single submitter. Criteria: ClinGen Variant Curation SOP V3.2 + Classification Guidance July2025. Collection method: clinical testing. Allele origin: inherited. Affected: yes. Observed: 1 heterozygote.

Labcorp Genetics (formerly Invitae), Labcorp
Classification: Likely pathogenic for Heterotaxy, visceral, 4, autosomal. Last evaluated: 2023-12-20. Review status: criteria provided, single submitter. Criteria: Invitae Variant Classification Sherloc (09022015). Collection method: clinical testing. Allele origin: germline.
Comment: This sequence change replaces arginine, which is basic and polar, with histidine, which is basic and polar, at codon 383 of the ACVR2B protein (p.Arg383His). This variant is not present in population databases (gnomAD no frequency). This variant has not been reported in the literature in individuals affected with ACVR2B-related conditions. ClinVar contains an entry for this variant (Variation ID: 1024343). Advanced modeling of protein sequence and biophysical properties (such as structural, functional, and spatial information, amino acid conservation, physicochemical variation, residue mobility, and thermodynamic stability) performed at Invitae indicates that this missense variant is expected to disrupt ACVR2B protein function with a positive predictive value of 95%. This variant disrupts the p.Arg383 amino acid residue in ACVR2B. Other variant(s) that disrupt this residue have been determined to be pathogenic (PMID: 30622330). This suggests that this residue is clinically significant, and that variants that disrupt this residue are likely to be disease-causing. In summary, the currently available evidence indicates that the variant is pathogenic, but additional data are needed to prove that conclusively. Therefore, this variant has been classified as Likely Pathogenic.

Literature cited by the submitters: PubMed 30622330 (cited by Labcorp Genetics (formerly Invitae), Labcorp).

NM_001106.4(ACVR2B):c.1148G>A (p.Arg383His)

Gene: ACVR2B (activin A receptor type 2B; plus strand). Cytogenetic location: 3p22.2.
Variant type: single nucleotide variant.
Coding change: c.1148G>A on transcript NM_001106.4 (MANE Select); coding-DNA position 1148, G replaced by A.
Protein change: p.Arg383His; replaces arginine 383 with histidine.
Molecular consequence: missense variant.
Genome position (GRCh38, 1-based): chr3:38,482,271, G>A. VCF-style: chr3-38482271-G-A. GRCh37 (hg19) VCF-style: chr3-38523762-G-A.
Other names: short protein forms R383H.
Identifiers: ClinVar variation 1024343 (VCV001024343.4), dbSNP rs1710030273, ClinGen allele CA352134058.